The following is an entry in ClinVar:

NM_000722.4(CACNA2D1):c.-157C>G

Gene: CACNA2D1 (calcium voltage-gated channel auxiliary subunit alpha2delta 1; minus strand). Cytogenetic location: 7q21.11.
Variant type: single nucleotide variant.
Coding change: c.-157C>G on transcript NM_000722.4 (MANE Select); 157 bases upstream of the start codon, C replaced by G.
Molecular consequence: 5 prime UTR variant.
Genome position (GRCh38, 1-based): chr7:82,443,616, G>C on the plus strand (C>G on the coding strand, the complement: CACNA2D1 is on the minus strand). VCF-style: chr7-82443616-G-C. GRCh37 (hg19) VCF-style: chr7-82072932-G-C.
Other names: c.-157C>G (NM_001302890.2, NM_001366867.1).
Identifiers: ClinVar variation 674916 (VCV000674916.2), dbSNP rs79572976, ClinGen allele CA12513801.

ClinVar aggregate classification (germline): Benign. Review status: criteria provided, multiple submitters, no conflicts (2 of 4 stars). 2 submissions from 2 submitters: Benign (2). Last evaluated 2018-06-14.

Allele frequency attached by ClinVar (database versions not stated): 1000 Genomes Project 0.03514; 1000 Genomes Project 30x 0.03545; gnomAD 0.05670; TOPMed 0.05759.
gnomAD v4.1: 95,844 of 1,358,386 alleles (7.1%); highest among the groups gnomAD compares: Middle Eastern, 9.5%; 3,706 homozygotes.

Submissions (2):

GeneDx
Classification: Benign. Last evaluated: 2018-06-14. Review status: criteria provided, single submitter. Criteria: GeneDx Variant Classification (06012015). Collection method: clinical testing. Allele origin: germline. Affected: yes.
Comment: This variant is considered likely benign or benign based on one or more of the following criteria: it is a conservative change, it occurs at a poorly conserved position in the protein, it is predicted to be benign by multiple in silico algorithms, and/or has population frequency not consistent with disease.

Breakthrough Genomics
Classification: Benign. Review status: criteria provided, single submitter. Criteria: ACMG Guidelines, 2015. Collection method: not provided. Allele origin: germline. Inheritance: Autosomal recessive inheritance. Affected: yes.